The following is an entry in ClinVar:

NM_006147.4(IRF6):c.174+53_174+56dup

Gene: IRF6 (interferon regulatory factor 6; minus strand). Cytogenetic location: 1q32.2.
Variant type: Duplication.
Coding change: c.174+53_174+56dup on transcript NM_006147.4 (MANE Select); bases 53 to 56 of the intron after coding-DNA position 174, 4 bases duplicated (TTTT; older notation c.174+53_174+56dupTTTT).
Molecular consequence: intron variant.
Genome position (GRCh38, 1-based): chr1:209,801,184-209,801,187, AAAA duplicated on the plus strand (TTTT on the coding strand, the reverse complement: IRF6 is on the minus strand); duplicating any 4 consecutive bases within chr1:209,801,184-209,801,204 gives the same sequence; the c. name uses the placement nearest the transcript's 3' end. VCF-style (leftmost placement, unchanged base first): chr1-209801183-C-CAAAA. GRCh37 (hg19) VCF-style: chr1-209974528-C-CAAAA.
Other names: c.-111-4635_-111-4632dup (NM_001206696.2).
Identifiers: ClinVar variation 2429644 (VCV002429644.1), dbSNP rs35878470, ClinGen allele CA528646471.

ClinVar aggregate classification (germline): Likely benign (1 of 4 stars; one submission).

Submission:

GeneDx
Classification: Likely benign. Last evaluated: 2021-06-03. Review status: criteria provided, single submitter. Criteria: GeneDx Variant Classification Process June 2021. Collection method: clinical testing. Allele origin: germline. Affected: yes.
Comment: See Variant Classification Assertion Criteria.